The following is an entry in ClinVar:

NM_001384140.1(PCDH15):c.4672-1699G>A

Gene: PCDH15 (protocadherin related 15; minus strand). Cytogenetic location: 10q21.1.
Variant type: single nucleotide variant.
Coding change: c.4672-1699G>A on transcript NM_001384140.1 (MANE Select); 1699 bases into the intron before coding-DNA position 4672, G replaced by A.
Molecular consequence: intron variant. On other transcripts: missense variant (2), 3 prime UTR variant (1).
Genome position (GRCh38, 1-based): chr10:53,808,829, C>T on the plus strand (G>A on the coding strand, the complement: PCDH15 is on the minus strand). VCF-style: chr10-53808829-C-T. GRCh37 (hg19) VCF-style: chr10-55568589-C-T.
Other names: c.5236G>A, p.Gly1746Ser (NM_001142769.4); c.*651G>A (NM_001142770.3); c.5215G>A, p.Gly1739Ser (NM_001354411.2); c.4477-1699G>A (NM_001354420.2); c.4606-1699G>A (NM_001354429.2); c.4483-1699G>A (NM_001142772.2); c.4498-1699G>A (NM_001142771.2); short protein forms G1746S, G1739S.
Identifiers: ClinVar variation 44036 (VCV000044036.15), dbSNP rs7090408, ClinGen allele CA133438.

ClinVar aggregate classification (germline): Benign/Likely benign. Review status: criteria provided, multiple submitters, no conflicts (2 of 4 stars). 4 submissions from 4 submitters: Benign (2); Likely benign (2). Last evaluated 2025-08-25.

Conditions:
Inborn genetic diseases. Identifiers: MedGen C0950123, MeSH D030342.

Allele frequency attached by ClinVar (database versions not stated): gnomAD exomes 0.00058; 1000 Genomes Project 30x 0.00344; gnomAD 0.00227 and 0.00212; 1000 Genomes Project 0.00359; ExAC 0.00096; ESP Exome Variant Server 0.00252; TOPMed 0.00249.
gnomAD v4.1: 585 of 1,610,748 alleles (0.036%); highest among the groups gnomAD compares: African/African-American, 0.66%; no homozygotes.

Submissions (4):

Ambry Genetics
Classification: Likely benign for Inborn genetic diseases. Last evaluated: 2025-08-25. Review status: criteria provided, single submitter. Criteria: Ambry Variant Classification Scheme 2023. Collection method: clinical testing. Allele origin: germline.

Blueprint Genetics
Classification: Likely benign. Last evaluated: 2024-10-23. Review status: criteria provided, single submitter. Criteria: ACMG Guidelines, 2015. Collection method: clinical testing. Allele origin: germline.

Labcorp Genetics (formerly Invitae), Labcorp
Classification: Benign. Last evaluated: 2023-10-11. Review status: criteria provided, single submitter. Criteria: Invitae Variant Classification Sherloc (09022015). Collection method: clinical testing. Allele origin: germline.

Laboratory for Molecular Medicine, Mass General Brigham Personalized Medicine
Classification: Benign. Last evaluated: 2017-05-18. Review status: criteria provided, single submitter. Criteria: LMM Criteria. Collection method: clinical testing. Allele origin: germline. Observed: 3 variant alleles.
Comment: Gly1746Ser in Exon 37A of PCDH15: This variant is not expected to have clinical significance because it has been identified in 0.7% (164/23056) of African chrom osomes by the Genome Aggregation Database (gnomAD. org; dbSNP rs7090408).